The following is an entry in ClinVar:

ClinVar aggregate classification (germline): Likely benign. Review status: criteria provided, single submitter (1 of 4 stars). 2 submissions from 1 submitter: Likely benign (2). Last evaluated 2018-01-12.

Conditions:
Congenital myopathy 4B, autosomal recessive. Also called: Nemaline myopathy 1, autosomal dominant or recessive. Identifiers: Orphanet 171433, Orphanet 171439, Orphanet 171881, MedGen C5829889, MONDO:0012239, OMIM 609284.
Congenital myopathy with fiber type disproportion. Also called: Congenital fiber-type disproportion myopathy; Congenital fiber-type disproportion. Identifiers: Orphanet 2020, MedGen C0546264, MONDO:0009711. Inheritance: all.

Allele frequency attached by ClinVar (database versions not stated): gnomAD 0.00050 and 0.00031; TOPMed 0.00051; 1000 Genomes Project 0.00359.
gnomAD v4.1: 74 of 151,946 alleles (0.049%); highest among the groups gnomAD compares: East Asian, 1.4%; 2 homozygotes.

Submissions (2):

Illumina Laboratory Services, Illumina
Classification: Likely benign for Congenital myopathy 4A, autosomal dominant. Last evaluated: 2018-01-12. Review status: criteria provided, single submitter. Criteria: ICSL Variant Classification Criteria 13 December 2019. Collection method: clinical testing. Allele origin: germline.
Comment: This variant was observed in the ICSL laboratory as part of a predisposition screen in an ostensibly healthy population. It had not been previously curated by ICSL or reported in the Human Gene Mutation Database (HGMD: prior to June 1st, 2018), and was therefore a candidate for classification through an automated scoring system. Utilizing variant allele frequency, disease prevalence and penetrance estimates, and inheritance mode, an automated score was calculated to assess if this variant is too frequent to cause the disease. Based on the score and internal cut-off values, a variant classified as likely benign is not then subjected to further curation. The score for this variant resulted in a classification of likely benign for this disease.

Illumina Laboratory Services, Illumina
Classification: Likely benign for Congenital myopathy 4B, autosomal recessive. Last evaluated: 2018-01-12. Review status: criteria provided, single submitter. Criteria: ICSL Variant Classification Criteria 13 December 2019. Collection method: clinical testing. Allele origin: germline.
Comment: the same text as in the submission from Illumina Laboratory Services, Illumina above.

NM_152263.4(TPM3):c.*2138T>C

Gene: TPM3 (tropomyosin 3; minus strand). Cytogenetic location: 1q21.3.
Variant type: single nucleotide variant.
Coding change: c.*2138T>C on transcript NM_152263.4 (MANE Select); 2138 bases downstream of the stop codon, T replaced by C.
Molecular consequence: 3 prime UTR variant. On other transcripts: intron variant (12).
Genome position (GRCh38, 1-based): chr1:154,165,799, A>G on the plus strand (T>C on the coding strand, the complement: TPM3 is on the minus strand). VCF-style: chr1-154165799-A-G. GRCh37 (hg19) VCF-style: chr1-154138275-A-G.
Other names: c.*2138T>C (NM_001364682.1, NM_001364683.1); c.775+4601T>C (NM_001364679.2, NM_001364681.2, NM_001364680.2); c.466+4601T>C (NM_001278188.2); c.664+4601T>C (NM_001043351.2, NM_001043353.2, NM_153649.4 and 1 more transcripts); c.743+3506T>C (NM_001349679.2, NM_001278189.2); c.601+4601T>C (NM_001278190.2); c.394+4601T>C (NM_001278191.2).
Identifiers: ClinVar variation 292668 (VCV000292668.5), dbSNP rs566002553, ClinGen allele CA10608236.